The following is an entry in ClinVar:

NM_000093.5(COL5A1):c.3396C>A (p.Gly1132=)

Gene: COL5A1 (collagen type V alpha 1 chain; plus strand). Cytogenetic location: 9q34.3.
Variant type: single nucleotide variant.
Coding change: c.3396C>A on transcript NM_000093.5 (MANE Select); coding-DNA position 3396, C replaced by A.
Protein change: p.Gly1132=; no amino-acid change (glycine 1132 retained).
Molecular consequence: synonymous variant.
Genome position (GRCh38, 1-based): chr9:134,809,212, C>A. VCF-style: chr9-134809212-C-A. GRCh37 (hg19) VCF-style: chr9-137701058-C-A.
Other names: c.3396C>A, p.Gly1132= (NM_001278074.1).
Identifiers: ClinVar variation 3771556 (VCV003771556.13).

ClinVar aggregate classification (germline): Likely benign (1 of 4 stars; one submission).

Submission:

CeGaT Center for Human Genetics Tuebingen
Classification: Likely benign. Last evaluated: 2025-03-01. Review status: criteria provided, single submitter. Criteria: CeGaT Center For Human Genetics Tuebingen Variant Classification Criteria Version 2. Collection method: clinical testing. Allele origin: germline. Affected: yes. Observed: 1 variant allele.
Comment: COL5A1: PM2:Supporting, BP4, BP7